The following is an entry in ClinVar:

ClinVar aggregate classification (germline): Uncertain significance (1 of 4 stars; one submission).

Conditions:
Hereditary cancer-predisposing syndrome. Also called: Hereditary Cancer Syndrome; Hereditary neoplastic syndrome; Neoplastic Syndromes, Hereditary; Tumor predisposition. Identifiers: Orphanet 140162, MedGen C0027672, MeSH D009386, MONDO:0015356.

Submission:

Ambry Genetics
Classification: Uncertain significance for Hereditary cancer-predisposing syndrome. Last evaluated: 2022-03-01. Review status: criteria provided, single submitter. Criteria: Ambry Variant Classification Scheme 2023. Collection method: clinical testing. Allele origin: germline.
Comment: The p.E331A variant (also known as c.992A>C), located in coding exon 6 of the PDGFRA gene, results from an A to C substitution at nucleotide position 992. The glutamic acid at codon 331 is replaced by alanine, an amino acid with dissimilar properties. This amino acid position is conserved. In addition, the in silico prediction for this alteration is inconclusive. Since supporting evidence is limited at this time, the clinical significance of this alteration remains unclear.

NM_006206.6(PDGFRA):c.992A>C (p.Glu331Ala)

Gene: PDGFRA (platelet derived growth factor receptor alpha; plus strand). Cytogenetic location: 4q12.
Variant type: single nucleotide variant.
Coding change: c.992A>C on transcript NM_006206.6 (MANE Select); coding-DNA position 992, A replaced by C.
Protein change: p.Glu331Ala; replaces glutamic acid 331 with alanine.
Molecular consequence: missense variant.
Genome position (GRCh38, 1-based): chr4:54,267,612, A>C. VCF-style: chr4-54267612-A-C. GRCh37 (hg19) VCF-style: chr4-55133779-A-C.
Other names: c.992A>C, p.Glu331Ala (NM_001347827.2, NM_001347829.2); c.1067A>C, p.Glu356Ala (NM_001347828.2); c.1031A>C, p.Glu344Ala (NM_001347830.2); short protein forms E356A, E331A, E344A.
Identifiers: ClinVar variation 1768631 (VCV001768631.2), dbSNP rs2475455529, ClinGen allele CA356891563.